The following is an entry in ClinVar:

NM_003998.4(NFKB1):c.127C>G (p.Pro43Ala)

Gene: NFKB1 (nuclear factor kappa B subunit 1; plus strand). Cytogenetic location: 4q24.
Variant type: single nucleotide variant.
Coding change: c.127C>G on transcript NM_003998.4 (MANE Select); coding-DNA position 127, C replaced by G.
Protein change: p.Pro43Ala; replaces proline 43 with alanine.
Molecular consequence: missense variant.
Genome position (GRCh38, 1-based): chr4:102,533,853, C>G. VCF-style: chr4-102533853-C-G. GRCh37 (hg19) VCF-style: chr4-103455010-C-G.
Other names: c.124C>G, p.Pro42Ala (NM_001165412.2, NM_001319226.2, NM_001382627.1); c.127C>G, p.Pro43Ala (NM_001382625.1, NM_001382626.1); c.85C>G, p.Pro29Ala (NM_001382628.1); short protein forms P29A, P42A, P43A.
Identifiers: ClinVar variation 4696600 (VCV004696600.1).

ClinVar aggregate classification (germline): Uncertain significance (1 of 4 stars; one submission).

gnomAD v4.1: 2 of 1,611,958 alleles (0.00012%); highest among the groups gnomAD compares: Non-Finnish European, 0.00017%; no homozygotes.

Submission:

Labcorp Genetics (formerly Invitae), Labcorp
Classification: Uncertain significance. Last evaluated: 2025-10-15. Review status: criteria provided, single submitter. Criteria: Invitae Variant Classification Sherloc (09022015). Collection method: clinical testing. Allele origin: germline.
Comment: This sequence change replaces proline, which is neutral and non-polar, with alanine, which is neutral and non-polar, at codon 43 of the NFKB1 protein (p.Pro43Ala). This variant is not present in population databases (gnomAD no frequency). This variant has not been reported in the literature in individuals affected with NFKB1-related conditions. Invitae Evidence Modeling of protein sequence and biophysical properties (such as structural, functional, and spatial information, amino acid conservation, physicochemical variation, residue mobility, and thermodynamic stability) indicates that this missense variant is not expected to disrupt NFKB1 protein function with a negative predictive value of 80%. In summary, the available evidence is currently insufficient to determine the role of this variant in disease. Therefore, it has been classified as a Variant of Uncertain Significance.